The following is an entry in ClinVar:

ClinVar aggregate classification (germline): Uncertain significance. Review status: criteria provided, multiple submitters, no conflicts (2 of 4 stars). 3 submissions from 3 submitters: Uncertain significance (3). Last evaluated 2026-02-25.

Conditions:
Wilson disease (WND). Also called: Wilson's disease. Identifiers: Orphanet 905, MedGen C0019202, MONDO:0010200, OMIM 277900. Disease mechanism: loss of function.

Allele frequency attached by ClinVar (database versions not stated): ExAC 0.00010; gnomAD 0.00002.
gnomAD v4.1: 21 of 1,612,804 alleles (0.0013%); highest among the groups gnomAD compares: Admixed American, 0.017%; 1 homozygote.

Submissions (3):

GeneDx
Classification: Uncertain significance. Last evaluated: 2026-02-25. Review status: criteria provided, single submitter. Criteria: GeneDx Variant Classification Process June 2021. Collection method: clinical testing. Allele origin: germline.
Comment: In silico analysis suggests that this missense variant does not alter protein structure/function; Has not been previously published as pathogenic or benign to our knowledge

Color Diagnostics, LLC DBA Color Health
Classification: Uncertain significance for Wilson disease. Last evaluated: 2025-06-19. Review status: criteria provided, single submitter. Criteria: ACMG Guidelines, 2015. Collection method: clinical testing. Allele origin: germline.
Comment: This missense variant replaces isoleucine with valine at codon 1346 of the ATP7B protein. Computational prediction suggests that this variant may not impact protein structure and function. To our knowledge, functional studies have not been reported for this variant. This variant has not been reported in individuals affected with Wilson disease in the literature. This variant has been identified in 12/243212 chromosomes in the general population by the Genome Aggregation Database (gnomAD). The available evidence is insufficient to determine the role of this variant in disease conclusively. Therefore, this variant is classified as a Variant of Uncertain Significance.

Labcorp Genetics (formerly Invitae), Labcorp
Classification: Uncertain significance for Wilson disease. Last evaluated: 2022-05-27. Review status: criteria provided, single submitter. Criteria: Invitae Variant Classification Sherloc (09022015). Collection method: clinical testing. Allele origin: germline.
Comment: This sequence change replaces isoleucine, which is neutral and non-polar, with valine, which is neutral and non-polar, at codon 1346 of the ATP7B protein (p.Ile1346Val). This variant is present in population databases (rs750033958, gnomAD 0.02%). This variant has not been reported in the literature in individuals affected with ATP7B-related conditions. Advanced modeling of protein sequence and biophysical properties (such as structural, functional, and spatial information, amino acid conservation, physicochemical variation, residue mobility, and thermodynamic stability) performed at Invitae indicates that this missense variant is not expected to disrupt ATP7B protein function. In summary, the available evidence is currently insufficient to determine the role of this variant in disease. Therefore, it has been classified as a Variant of Uncertain Significance.

NM_000053.4(ATP7B):c.4036A>G (p.Ile1346Val)

Gene: ATP7B (ATPase copper transporting beta; minus strand). Cytogenetic location: 13q14.3.
Variant type: single nucleotide variant.
Coding change: c.4036A>G on transcript NM_000053.4 (MANE Select); coding-DNA position 4036, A replaced by G.
Protein change: p.Ile1346Val; replaces isoleucine 1346 with valine.
Molecular consequence: missense variant.
Genome position (GRCh38, 1-based): chr13:51,935,681, T>C on the plus strand (A>G on the coding strand, the complement: ATP7B is on the minus strand). VCF-style: chr13-51935681-T-C. GRCh37 (hg19) VCF-style: chr13-52509817-T-C.
Other names: c.3415A>G, p.Ile1139Val (NM_001005918.3); c.3703A>G, p.Ile1235Val (NM_001243182.2); c.3802A>G, p.Ile1268Val (NM_001330578.2, NM_001406527.1, NM_001406528.1); c.3784A>G, p.Ile1262Val (NM_001330579.2, NM_001406531.1, NM_001406532.1); c.4036A>G, p.Ile1346Val (NM_001406511.1, NM_001406512.1); c.4030A>G, p.Ile1344Val (NM_001406513.1); c.4003A>G, p.Ile1335Val (NM_001406514.1); c.3982A>G, p.Ile1328Val (NM_001406515.1, NM_001406516.1); and 22 more; short protein forms I1152V, I1203V, I1266V, I1281V, I1314V, I1344V, I1182V, I1184V.
Identifiers: ClinVar variation 2165482 (VCV002165482.3), dbSNP rs750033958, ClinGen allele CA6988502.